The following is an entry in ClinVar:

NM_203447.4(DOCK8):c.3398G>T (p.Ser1133Ile)

Gene: DOCK8 (dedicator of cytokinesis 8; plus strand). Cytogenetic location: 9p24.3.
Variant type: single nucleotide variant.
Coding change: c.3398G>T on transcript NM_203447.4 (MANE Select); coding-DNA position 3398, G replaced by T.
Protein change: p.Ser1133Ile; replaces serine 1133 with isoleucine.
Molecular consequence: missense variant.
Genome position (GRCh38, 1-based): chr9:406,937, G>T. VCF-style: chr9-406937-G-T. GRCh37 (hg19) VCF-style: chr9-406937-G-T.
Other names: c.3098G>T, p.Ser1033Ile (NM_001190458.2); c.3194G>T, p.Ser1065Ile (NM_001193536.2); short protein forms S1065I, S1033I, S1133I.
Identifiers: ClinVar variation 3704642 (VCV003704642.2).

ClinVar aggregate classification (germline): Uncertain significance (1 of 4 stars; one submission).

Conditions:
Combined immunodeficiency due to DOCK8 deficiency (HIES2). Also called: HYPER-IgE SYNDROME 2, AUTOSOMAL RECESSIVE, WITH RECURRENT INFECTIONS; DOCK8 Deficiency; Hyper-IgE recurrent infection syndrome, autosomal recessive; HIES autosomal recessive; HYPER-IgE RECURRENT INFECTION SYNDROME 2, AUTOSOMAL RECESSIVE. Identifiers: Orphanet 217390, MedGen C4722305, MONDO:0009478, OMIM 243700.

gnomAD v4.1: 1 of 1,613,944 alleles (0.000062%); highest among the groups gnomAD compares: East Asian, 0.0022%; no homozygotes.

Submission:

Labcorp Genetics (formerly Invitae), Labcorp
Classification: Uncertain significance for Combined immunodeficiency due to DOCK8 deficiency. Last evaluated: 2024-12-11. Review status: criteria provided, single submitter. Criteria: Invitae Variant Classification Sherloc (09022015). Collection method: clinical testing. Allele origin: germline.
Comment: This sequence change replaces serine, which is neutral and polar, with isoleucine, which is neutral and non-polar, at codon 1133 of the DOCK8 protein (p.Ser1133Ile). This variant is present in population databases (no rsID available, gnomAD 0.06%). This variant has not been reported in the literature in individuals affected with DOCK8-related conditions. Invitae Evidence Modeling of protein sequence and biophysical properties (such as structural, functional, and spatial information, amino acid conservation, physicochemical variation, residue mobility, and thermodynamic stability) indicates that this missense variant is not expected to disrupt DOCK8 protein function with a negative predictive value of 80%. Algorithms developed to predict the effect of sequence changes on RNA splicing suggest that this variant may create or strengthen a splice site. In summary, the available evidence is currently insufficient to determine the role of this variant in disease. Therefore, it has been classified as a Variant of Uncertain Significance.